The following is an entry in ClinVar:

NM_001572.5(IRF7):c.1180T>A (p.Cys394Ser)

Gene: IRF7 (interferon regulatory factor 7; minus strand). Cytogenetic location: 11p15.5.
Variant type: single nucleotide variant.
Coding change: c.1180T>A on transcript NM_001572.5 (MANE Select); coding-DNA position 1180, T replaced by A.
Protein change: p.Cys394Ser; replaces cysteine 394 with serine.
Molecular consequence: missense variant.
Genome position (GRCh38, 1-based): chr11:613,263, A>T on the plus strand (T>A on the coding strand, the complement: IRF7 is on the minus strand). VCF-style: chr11-613263-A-T. GRCh37 (hg19) VCF-style: chr11-613263-A-T.
Other names: c.1093T>A, p.Cys365Ser (NM_004029.4); c.1219T>A, p.Cys407Ser (NM_004031.4); c.1219T>A (NM_004031.2); short protein forms C365S, C407S, C394S.
Identifiers: ClinVar variation 1510942 (VCV001510942.10), dbSNP rs1257744960, ClinGen allele CA378978667.

ClinVar aggregate classification (germline): Uncertain significance. Review status: criteria provided, multiple submitters, no conflicts (2 of 4 stars). 2 submissions from 2 submitters: Uncertain significance (2). Last evaluated 2025-08-27.

Conditions:
Immunodeficiency 39 (IMD39). Identifiers: Orphanet 574918, MedGen C4225358, MONDO:0014597, OMIM 616345.

Allele frequency attached by ClinVar (database versions not stated): gnomAD exomes below 0.00001.
gnomAD v4.1: 2 of 1,601,028 alleles (0.00012%); highest among the groups gnomAD compares: Non-Finnish European, 0.00017%; no homozygotes.

Submissions (2):

Ambry Genetics
Classification: Uncertain significance. Last evaluated: 2025-08-27. Review status: criteria provided, single submitter. Criteria: Ambry Variant Classification Scheme 2023. Collection method: clinical testing. Allele origin: germline.

Labcorp Genetics (formerly Invitae), Labcorp
Classification: Uncertain significance for Immunodeficiency 39. Last evaluated: 2022-02-05. Review status: criteria provided, single submitter. Criteria: Invitae Variant Classification Sherloc (09022015). Collection method: clinical testing. Allele origin: germline.
Comment: Algorithms developed to predict the effect of missense changes on protein structure and function output the following: SIFT: "Tolerated"; PolyPhen-2: "Benign"; Align-GVGD: "Class C0". The serine amino acid residue is found in multiple mammalian species, which suggests that this missense change does not adversely affect protein function. This variant has not been reported in the literature in individuals affected with IRF7-related conditions. This variant is not present in population databases (gnomAD no frequency). In summary, the available evidence is currently insufficient to determine the role of this variant in disease. Therefore, it has been classified as a Variant of Uncertain Significance. This sequence change replaces cysteine, which is neutral and slightly polar, with serine, which is neutral and polar, at codon 407 of the IRF7 protein (p.Cys407Ser).